The following is an entry in ClinVar:

ClinVar aggregate classification (germline): Uncertain significance. Review status: criteria provided, multiple submitters, no conflicts (2 of 4 stars). 2 submissions from 2 submitters: Uncertain significance (2). Last evaluated 2026-06-22.

Conditions:
MLC1-related disorder. Also called: MLC1-related condition.

Allele frequency attached by ClinVar (database versions not stated): gnomAD exomes 0.00008; gnomAD 0.00011; TOPMed 0.00012; ExAC 0.00013; ESP Exome Variant Server 0.00031.
gnomAD v4.1: 132 of 1,614,024 alleles (0.0082%); highest among the groups gnomAD compares: Admixed American, 0.012%; no homozygotes.

Submissions (2):

PreventionGenetics, part of Exact Sciences
Classification: Uncertain significance for MLC1-related condition. Last evaluated: 2026-06-22. Review status: criteria provided, single submitter. Criteria: ACMG Guidelines, 2015. Collection method: clinical testing. Allele origin: germline.
Comment: The MLC1 c.223G>A variant is predicted to result in the amino acid substitution p.Val75Met. To our knowledge, this variant has not been reported in the literature. This variant is reported in 0.017% of alleles in individuals of Latino descent in gnomAD. At this time, the clinical significance of this variant is uncertain due to the absence of conclusive functional and genetic evidence.

Labcorp Genetics (formerly Invitae), Labcorp
Classification: Uncertain significance. Last evaluated: 2025-06-02. Review status: criteria provided, single submitter. Criteria: Invitae Variant Classification Sherloc (09022015). Collection method: clinical testing. Allele origin: germline.
Comment: This sequence change replaces valine, which is neutral and non-polar, with methionine, which is neutral and non-polar, at codon 75 of the MLC1 protein (p.Val75Met). This variant is present in population databases (rs148848827, gnomAD 0.02%). This variant has not been reported in the literature in individuals affected with MLC1-related conditions. ClinVar contains an entry for this variant (Variation ID: 2077279). Invitae Evidence Modeling of protein sequence and biophysical properties (such as structural, functional, and spatial information, amino acid conservation, physicochemical variation, residue mobility, and thermodynamic stability) indicates that this missense variant is not expected to disrupt MLC1 protein function with a negative predictive value of 80%. In summary, the available evidence is currently insufficient to determine the role of this variant in disease. Therefore, it has been classified as a Variant of Uncertain Significance.

NM_015166.4(MLC1):c.223G>A (p.Val75Met)

Genes: MLC1 (modulator of VRAC current 1; minus strand), LOC125446261 (Sharpr-MPRA regulatory region 9327; plus strand). Cytogenetic location: 22q13.33.
Variant type: single nucleotide variant.
Coding change: c.223G>A on transcript NM_015166.4 (MANE Select); coding-DNA position 223, G replaced by A.
Protein change: p.Val75Met; replaces valine 75 with methionine.
Molecular consequence: missense variant. On other transcripts: 5 prime UTR variant (1), non-coding transcript variant (3), intron variant (1).
Genome position (GRCh38, 1-based): chr22:50,083,128, C>T on the plus strand (G>A on the coding strand, the complement: MLC1 is on the minus strand). VCF-style: chr22-50083128-C-T. GRCh37 (hg19) VCF-style: chr22-50521557-C-T.
Other names: c.223G>A, p.Val75Met (NM_001376472.1, NM_001376473.1, NM_001376474.1 and 9 more transcripts); c.-15G>A (NM_001376484.1); c.177+1598G>A (NM_001376480.1); c.223G>A (NM_015166.3); short protein forms V75M.
Identifiers: ClinVar variation 2077279 (VCV002077279.4), dbSNP rs148848827, ClinGen allele CA10303648.
Genomic context (GRCh38, chr22:50,083,128, plus strand): 5'-GGAGGAAGCTGCTTACAGAGCCTGCAGCACAGCGCAAGTAATCCATCTCAGCCGGGAACA[C>T]GTTCCCCAGGTACAGCGAAAACCCCGAGGTCACCAGGAGGCAGCTCTGCAAGACAGCGAC-3'
Protein context (NP_055981.1, residues 65-85): TSGFSLYLGN[Val75Met]FPAEMDYLRC